The following is an entry in ClinVar:

NM_014283.5(SUCO):c.2062A>G (p.Thr688Ala)

Gene: SUCO (SUN domain containing ossification factor; plus strand). Cytogenetic location: 1q24.3.
Variant type: single nucleotide variant.
Coding change: c.2062A>G on transcript NM_014283.5 (MANE Select); coding-DNA position 2062, A replaced by G.
Protein change: p.Thr688Ala; replaces threonine 688 with alanine.
Molecular consequence: missense variant. On other transcripts: intron variant (1).
Genome position (GRCh38, 1-based): chr1:172,589,163, A>G. VCF-style: chr1-172589163-A-G. GRCh37 (hg19) VCF-style: chr1-172558303-A-G.
Other names: c.373A>G, p.Thr125Ala (NM_001282751.2); c.2515A>G, p.Thr839Ala (NM_016227.4); c.1712+239A>G (NM_001282750.2); short protein forms T125A, T839A, T688A.
Identifiers: ClinVar variation 2806263 (VCV002806263.3), dbSNP rs2527421623, ClinGen allele CA343742722.

ClinVar aggregate classification (germline): Uncertain significance (1 of 4 stars; one submission).

Allele frequency attached by ClinVar (database versions not stated): gnomAD exomes below 0.00001.
gnomAD v4.1: 4 of 1,613,972 alleles (0.00025%); highest among the groups gnomAD compares: Non-Finnish European, 0.00034%; no homozygotes.

Submission:

Labcorp Genetics (formerly Invitae), Labcorp
Classification: Uncertain significance. Last evaluated: 2022-12-30. Review status: criteria provided, single submitter. Criteria: Invitae Variant Classification Sherloc (09022015). Collection method: clinical testing. Allele origin: germline.
Comment: Algorithms developed to predict the effect of missense changes on protein structure and function (SIFT, PolyPhen-2, Align-GVGD) all suggest that this variant is likely to be tolerated. In summary, the available evidence is currently insufficient to determine the role of this variant in disease. Therefore, it has been classified as a Variant of Uncertain Significance. This sequence change replaces threonine, which is neutral and polar, with alanine, which is neutral and non-polar, at codon 688 of the SUCO protein (p.Thr688Ala). This variant is not present in population databases (gnomAD no frequency). This variant has not been reported in the literature in individuals affected with SUCO-related conditions.